The following is an entry in ClinVar:

NM_001367624.2(ZNF469):c.7316T>C (p.Leu2439Pro)

Gene: ZNF469 (zinc finger protein 469; plus strand). Cytogenetic location: 16q24.2.
Variant type: single nucleotide variant.
Coding change: c.7316T>C on transcript NM_001367624.2 (MANE Select); coding-DNA position 7316, T replaced by C.
Protein change: p.Leu2439Pro; replaces leucine 2439 with proline.
Molecular consequence: missense variant.
Genome position (GRCh38, 1-based): chr16:88,434,786, T>C. VCF-style: chr16-88434786-T-C. GRCh37 (hg19) VCF-style: chr16-88501194-T-C.
Other names: NM_001127464.1:c.7232T>C; short protein forms L2439P.
Identifiers: ClinVar variation 2449517 (VCV002449517.2), dbSNP rs1208728102, ClinGen allele CA397109398.

ClinVar aggregate classification (germline): Uncertain significance (1 of 4 stars; one submission).

Conditions:
Cardiovascular phenotype. Identifiers: MedGen CN230736.

Allele frequency attached by ClinVar (database versions not stated): gnomAD exomes below 0.00001.
gnomAD v4.1: 6 of 1,549,942 alleles (0.00039%); highest among the groups gnomAD compares: South Asian, 0.0071%; no homozygotes.

Submission:

Ambry Genetics
Classification: Uncertain significance for Cardiovascular phenotype. Last evaluated: 2023-02-19. Review status: criteria provided, single submitter. Criteria: Ambry Variant Classification Scheme 2023. Collection method: clinical testing. Allele origin: germline.
Comment: The p.L2411P variant (also known as c.7232T>C), located in coding exon 2 of the ZNF469 gene, results from a T to C substitution at nucleotide position 7232. The leucine at codon 2411 is replaced by proline, an amino acid with similar properties. This amino acid position is conserved. In addition, this alteration is predicted to be tolerated by in silico analysis. Since supporting evidence is limited at this time, the clinical significance of this alteration remains unclear.